The following is an entry in ClinVar:

ClinVar aggregate classification (germline): Likely benign. Review status: criteria provided, multiple submitters, no conflicts (2 of 4 stars). 5 submissions from 5 submitters: Likely benign (5). Last evaluated 2026-05-01.

Conditions:
Cardiovascular phenotype. Identifiers: MedGen CN230736.
Osteogenesis imperfecta type I (OI1). Also called: Lobstein disease; Osteogenesis imperfecta type 1; Lobstein's Disease; Classic Non-deforming Osteogenesis Imperfecta with Blue Sclerae; OI, TYPE I; OSTEOGENESIS IMPERFECTA TARDA. Identifiers: Orphanet 216796, Orphanet 666, MedGen C0023931, MONDO:0008146, OMIM 166200. Disease mechanism: loss of function.

Allele frequency attached by ClinVar (database versions not stated): TOPMed 0.00003; gnomAD 0.00006.
gnomAD v4.1: 73 of 1,613,086 alleles (0.0045%); highest among the groups gnomAD compares: Non-Finnish European, 0.0056%; no homozygotes.

Submissions (5):

Women's Health and Genetics/Laboratory Corporation of America, LabCorp
Classification: Likely benign. Last evaluated: 2026-05-01. Review status: criteria provided, single submitter. Criteria: LabCorp Variant Classification Summary - May 2015. Collection method: clinical testing. Allele origin: germline.

Labcorp Genetics (formerly Invitae), Labcorp
Classification: Likely benign for Osteogenesis imperfecta type I. Last evaluated: 2025-01-30. Review status: criteria provided, single submitter. Criteria: Invitae Variant Classification Sherloc (09022015). Collection method: clinical testing. Allele origin: germline.

Blueprint Genetics
Classification: Likely benign. Last evaluated: 2024-07-11. Review status: criteria provided, single submitter. Criteria: ACMG Guidelines, 2015. Collection method: clinical testing. Allele origin: germline.

Ambry Genetics
Classification: Likely benign for Cardiovascular phenotype. Last evaluated: 2024-06-21. Review status: criteria provided, single submitter. Criteria: Ambry Variant Classification Scheme 2023. Collection method: clinical testing. Allele origin: germline.

GeneDx
Classification: Likely benign. Last evaluated: 2016-11-02. Review status: criteria provided, single submitter. Criteria: GeneDx Variant Classification (06012015). Collection method: clinical testing. Allele origin: germline. Affected: yes.
Comment: This variant is considered likely benign or benign based on one or more of the following criteria: it is a conservative change, it occurs at a poorly conserved position in the protein, it is predicted to be benign by multiple in silico algorithms, and/or has population frequency not consistent with disease.

NM_000088.4(COL1A1):c.4017C>T (p.Gly1339=)

Gene: COL1A1 (collagen type I alpha 1 chain; minus strand). Cytogenetic location: 17q21.33.
Variant type: single nucleotide variant.
Coding change: c.4017C>T on transcript NM_000088.4 (MANE Select); coding-DNA position 4017, C replaced by T.
Protein change: p.Gly1339=; no amino-acid change (glycine 1339 retained).
Molecular consequence: synonymous variant.
Genome position (GRCh38, 1-based): chr17:50,186,009, G>A on the plus strand (C>T on the coding strand, the complement: COL1A1 is on the minus strand). VCF-style: chr17-50186009-G-A. GRCh37 (hg19) VCF-style: chr17-48263370-G-A.
Identifiers: ClinVar variation 390713 (VCV000390713.12), dbSNP rs201256042, ClinGen allele CA8644273.